The following is an entry in ClinVar:

NM_013450.4(BAZ2B):c.1840G>T (p.Asp614Tyr)

Gene: BAZ2B (bromodomain adjacent to zinc finger domain 2B; minus strand). Cytogenetic location: 2q24.2.
Variant type: single nucleotide variant.
Coding change: c.1840G>T on transcript NM_013450.4 (MANE Select); coding-DNA position 1840, G replaced by T.
Protein change: p.Asp614Tyr; replaces aspartic acid 614 with tyrosine.
Molecular consequence: missense variant.
Genome position (GRCh38, 1-based): chr2:159,432,817, C>A on the plus strand (G>T on the coding strand, the complement: BAZ2B is on the minus strand). VCF-style: chr2-159432817-C-A. GRCh37 (hg19) VCF-style: chr2-160289328-C-A.
Other names: c.1834G>T, p.Asp612Tyr (NM_001289975.1); c.1651G>T, p.Asp551Tyr (NM_001329857.2); c.1840G>T, p.Asp614Tyr (NM_001329858.2); short protein forms D551Y, D614Y, D612Y.
Identifiers: ClinVar variation 3133090 (VCV003133090.2), dbSNP rs188978513, ClinGen allele CA1924840.

ClinVar aggregate classification (germline): Uncertain significance. Review status: criteria provided, multiple submitters, no conflicts (2 of 4 stars). 2 submissions from 2 submitters: Uncertain significance (2). Last evaluated 2024-12-31.

Conditions:
BAZ2B-related disorder. Also called: BAZ2B-related condition.
Inborn genetic diseases. Identifiers: MedGen C0950123, MeSH D030342.

Allele frequency attached by ClinVar (database versions not stated): ExAC 0.00006; ESP Exome Variant Server 0.00008; gnomAD 0.00008; TOPMed 0.00011; gnomAD exomes 0.00016; 1000 Genomes Project 0.00020.
gnomAD v4.1: 239 of 1,613,990 alleles (0.015%); highest among the groups gnomAD compares: Admixed American, 0.027%; no homozygotes.

Submissions (2):

PreventionGenetics, part of Exact Sciences
Classification: Uncertain significance for BAZ2B-related condition. Last evaluated: 2024-12-31. Review status: criteria provided, single submitter. Criteria: ACMG Guidelines, 2015. Collection method: clinical testing. Allele origin: germline.
Comment: The BAZ2B c.1834G>T variant is predicted to result in the amino acid substitution p.Asp612Tyr. To our knowledge, this variant has not been reported in the literature. This variant is reported in 0.023% of alleles in individuals of Latino descent in gnomAD. At this time, the clinical significance of this variant is uncertain due to the absence of conclusive functional and genetic evidence.

Ambry Genetics
Classification: Uncertain significance for Inborn genetic diseases. Last evaluated: 2022-02-02. Review status: criteria provided, single submitter. Criteria: Ambry Variant Classification Scheme 2023. Collection method: clinical testing. Allele origin: germline.